The following is an entry in ClinVar:

NM_181741.4(ORC4):c.284dup (p.Leu95fs)

Gene: ORC4 (origin recognition complex subunit 4; minus strand). Cytogenetic location: 2q23.1.
Variant type: Duplication.
Coding change: c.284dup on transcript NM_181741.4 (MANE Select); coding-DNA position 284, one base duplicated (T; older notation c.284dupT).
Protein change: p.Leu95fs; shifts the reading frame from leucine 95.
Molecular consequence: frameshift variant.
Genome position (GRCh38, 1-based): chr2:147,958,808, A duplicated on the plus strand (T on the coding strand, the reverse complement: ORC4 is on the minus strand); the first of 2 consecutive A bases (chr2:147,958,808-147,958,809); duplicating either gives the same sequence. VCF-style (leftmost placement, unchanged base first): chr2-147958807-T-TA. GRCh37 (hg19) VCF-style: chr2-148716376-T-TA.
Other names: c.284dup, p.Leu95fs (NM_001190879.3, NM_001374270.1, NM_002552.5); c.32dup, p.Leu11fs (NM_001190881.3, NM_001374272.1); c.62dup, p.Leu21fs (NM_001190882.3); c.283dup, p.Leu95Phefs (NM_181742.5); short protein forms L11fs, L21fs, L95fs.
Identifiers: ClinVar variation 1924188 (VCV001924188.5), dbSNP rs1689412281, ClinGen allele CA1296539073.

ClinVar aggregate classification (germline): Pathogenic (1 of 4 stars; one submission).

Submission:

Labcorp Genetics (formerly Invitae), Labcorp
Classification: Pathogenic. Last evaluated: 2022-11-28. Review status: criteria provided, single submitter. Criteria: Invitae Variant Classification Sherloc (09022015). Collection method: clinical testing. Allele origin: germline.
Comment: For these reasons, this variant has been classified as Pathogenic. This variant has not been reported in the literature in individuals affected with ORC4-related conditions. This variant is not present in population databases (gnomAD no frequency). This sequence change creates a premature translational stop signal (p.Leu95Phefs*13) in the ORC4 gene. It is expected to result in an absent or disrupted protein product. Loss-of-function variants in ORC4 are known to be pathogenic (PMID: 21358631, 21358632, 22333897).

Literature cited by the submitters: PubMed 21358631; PubMed 21358632; PubMed 22333897.